The following is an entry in ClinVar:

ClinVar aggregate classification (germline): Uncertain significance (1 of 4 stars; one submission).

Conditions:
Cardiovascular phenotype. Identifiers: MedGen CN230736.
Hereditary cancer-predisposing syndrome. Also called: Neoplastic Syndromes, Hereditary; Tumor predisposition; Hereditary Cancer Syndrome; Hereditary neoplastic syndrome. Identifiers: Orphanet 140162, MedGen C0027672, MeSH D009386, MONDO:0015356.

Submission:

Ambry Genetics
Classification: Uncertain significance for Cardiovascular phenotype; Hereditary cancer-predisposing syndrome. Last evaluated: 2016-04-18. Review status: criteria provided, single submitter. Criteria: Ambry Variant Classification Scheme 2023. Collection method: clinical testing. Allele origin: germline.
Comment: The p.G312E variant (also known as c.935G>A), located in coding exon 9 of the NF1 gene, results from a G to A substitution at nucleotide position 935. The glycine at codon 312 is replaced by glutamic acid, an amino acid with similar properties. This variant was not reported in population based cohorts in the following databases: Database of Single Nucleotide Polymorphisms (dbSNP), NHLBI Exome Sequencing Project (ESP), and 1000 Genomes Project. In the ESP, this variant was not observed in 6503 samples (13006 alleles) with coverage at this position. To date, this alteration has been detected with an allele frequency of approximately 0.001% (greater than 110000 alleles tested) in our clinical cohort. This amino acid position is highly conserved in available vertebrate species. In addition, this alteration is predicted to be deleterious by in silico analysis. Since supporting evidence is limited at this time, the clinical significance of this alteration remains unclear.

NM_001042492.3(NF1):c.935G>A (p.Gly312Glu)

Gene: NF1 (neurofibromin 1; plus strand). Cytogenetic location: 17q11.2.
Variant type: single nucleotide variant.
Coding change: c.935G>A on transcript NM_001042492.3 (MANE Select); coding-DNA position 935, G replaced by A.
Protein change: p.Gly312Glu; replaces glycine 312 with glutamic acid.
Molecular consequence: missense variant.
Genome position (GRCh38, 1-based): chr17:31,200,468, G>A. VCF-style: chr17-31200468-G-A. GRCh37 (hg19) VCF-style: chr17-29527486-G-A.
Other names: c.935G>A, p.Gly312Glu (NM_000267.4, NM_001128147.3); short protein forms G312E.
Identifiers: ClinVar variation 481918 (VCV000481918.5), dbSNP rs1555610868, ClinGen allele CA398995710.
Genomic context (GRCh38, chr17:31,200,468, plus strand): 5'-TTTGAATTCTGTAGAAGTTATTTCTGGACAGTCTACGAAAAGCTCTTGCTGGCCATGGAG[G>A]AAGTAGGCAGCTGACAGAAAGTGCTGCAATTGCCTGTGTCAAACTGTGTAAAGCAAGTAC-3'
Protein context (NP_001035957.1, residues 302-322): SLRKALAGHG[Gly312Glu]SRQLTESAAI